The following is an entry in ClinVar:

ClinVar aggregate classification (germline): Uncertain significance (1 of 4 stars; one submission).

Conditions:
Hereditary cancer-predisposing syndrome. Also called: Hereditary neoplastic syndrome; Neoplastic Syndromes, Hereditary; Tumor predisposition; Hereditary Cancer Syndrome. Identifiers: Orphanet 140162, MedGen C0027672, MeSH D009386, MONDO:0015356.

Submission:

Ambry Genetics
Classification: Uncertain significance for Hereditary cancer-predisposing syndrome. Last evaluated: 2026-05-18. Review status: criteria provided, single submitter. Criteria: Ambry Variant Classification Scheme 2023. Collection method: clinical testing. Allele origin: germline.
Comment: The p.S142G variant (also known as c.424A>G), located in coding exon 1 of the HOXB13 gene, results from an A to G substitution at nucleotide position 424. The serine at codon 142 is replaced by glycine, an amino acid with similar properties. This amino acid position is conserved. In addition, this alteration is predicted to be tolerated by in silico analysis. Based on the available evidence, the clinical significance of this variant remains unclear.

NM_006361.6(HOXB13):c.424A>G (p.Ser142Gly)

Gene: HOXB13 (homeobox B13; minus strand). Cytogenetic location: 17q21.32.
Variant type: single nucleotide variant.
Coding change: c.424A>G on transcript NM_006361.6 (MANE Select); coding-DNA position 424, A replaced by G.
Protein change: p.Ser142Gly; replaces serine 142 with glycine.
Molecular consequence: missense variant.
Genome position (GRCh38, 1-based): chr17:48,728,170, T>C on the plus strand (A>G on the coding strand, the complement: HOXB13 is on the minus strand). VCF-style: chr17-48728170-T-C. GRCh37 (hg19) VCF-style: chr17-46805532-T-C.
Other names: short protein forms S142G.
Identifiers: ClinVar variation 4858375 (VCV004858375.1).